The following is an entry in ClinVar:

NM_002016.2(FLG):c.527dup (p.Asn176fs)

Genes: CCDST (cervical cancer associated DHX9 suppressive transcript; plus strand), FLG (filaggrin; minus strand). Cytogenetic location: 1q21.3.
Variant type: Duplication.
Coding change: c.527dup on transcript NM_002016.2 (MANE Select); coding-DNA position 527, one base duplicated (A; older notation c.527dupA).
Protein change: p.Asn176fs; shifts the reading frame from asparagine 176.
Molecular consequence: frameshift variant.
Genome position (GRCh38, 1-based): chr1:152,314,359, T duplicated on the plus strand (A on the coding strand, the reverse complement: FLG is on the minus strand); the first of 6 consecutive T bases (chr1:152,314,359-152,314,364); duplicating any one gives the same sequence. VCF-style (leftmost placement, unchanged base first): chr1-152314358-G-GT. GRCh37 (hg19) VCF-style: chr1-152286834-G-GT.
Other names: short protein forms N176fs.
Identifiers: ClinVar variation 2499316 (VCV002499316.1), dbSNP rs1166843216, ClinGen allele CA526662283.

ClinVar aggregate classification (germline): Pathogenic (1 of 4 stars; one submission).

Submission:

GeneDx
Classification: Pathogenic. Last evaluated: 2022-10-10. Review status: criteria provided, single submitter. Criteria: GeneDx Variant Classification Process June 2021. Collection method: clinical testing. Allele origin: germline. Affected: yes.
Comment: Identified with another pathogenic variant in the FLG gene in an individual from a cohort of patients with skin findings ranging from atopic dermatitis to ichthyosis vulgaris, though the phase of these variants is unknown and detailed clinical information was not provided (van Leersum et al., 2020); Frameshift variant predicted to result in protein truncation or nonsense mediated decay in a gene for which loss of function is a known mechanism of disease; Not observed at significant frequency in large population cohorts (gnomAD); This variant is associated with the following publications: (PMID: 32018027)